The following is an entry in ClinVar:

ClinVar aggregate classification (germline): Likely pathogenic (1 of 4 stars; one submission).

Conditions:
Parkinsonism-dystonia 3, childhood-onset (PKDYS3). Identifiers: MedGen C5676913, MONDO:0030676, OMIM 619738.

Allele frequency attached by ClinVar (database versions not stated): gnomAD exomes below 0.00001; gnomAD 0.00001.
gnomAD v4.1: 7 of 1,591,362 alleles (0.00044%); highest among the groups gnomAD compares: Non-Finnish European, 0.00051%; no homozygotes.

Submission:

MGZ Medical Genetics Center
Classification: Likely pathogenic for Parkinsonism-dystonia 3, childhood-onset. Last evaluated: 2022-07-01. Review status: criteria provided, single submitter. Criteria: ACMG Guidelines, 2015. Collection method: clinical testing. Allele origin: germline. Affected: yes. Observed: 1 variant allele.
Comment: ACMG criteria applied: PVS1, PM2_SUP

NM_015836.4(WARS2):c.368T>G (p.Leu123Ter)

Gene: WARS2 (tryptophanyl tRNA synthetase 2, mitochondrial; minus strand). Cytogenetic location: 1p12.
Variant type: single nucleotide variant.
Coding change: c.368T>G on transcript NM_015836.4 (MANE Select); coding-DNA position 368, T replaced by G.
Protein change: p.Leu123Ter; replaces leucine 123 with a stop codon.
Molecular consequence: nonsense.
Genome position (GRCh38, 1-based): chr1:119,045,643, A>C on the plus strand (T>G on the coding strand, the complement: WARS2 is on the minus strand). VCF-style: chr1-119045643-A-C. GRCh37 (hg19) VCF-style: chr1-119588266-A-C.
Other names: c.299T>G, p.Leu100Ter (NM_001378226.1, NM_001378227.1); c.197T>G, p.Leu66Ter (NM_001378228.1); c.110T>G, p.Leu37Ter (NM_001378229.1); c.86T>G, p.Leu29Ter (NM_001378230.1); c.368T>G, p.Leu123Ter (NM_001378231.1, NM_201263.2); short protein forms L100*, L123*, L29*, L37*, L66*.
Identifiers: ClinVar variation 1709258 (VCV001709258.2), dbSNP rs1648733523, ClinGen allele CA341437639.
Genomic context (GRCh38, chr1:119,045,643, plus strand): 5'-TTCCACTGATGTAAATGTTGTAATCGAGGTAGTCTGACCATGCAGGAAAGGATCCAACTT[A>C]ATTGTGTGTGTTCAGACACCTAAAGAAATAAAATAGAACATTAGTAAAGGTGGCCAGTGT-3'